The following is an entry in ClinVar:

NM_014991.6(WDFY3):c.304+1G>T

Gene: WDFY3 (WD repeat and FYVE domain containing 3; minus strand). Cytogenetic location: 4q21.23.
Variant type: single nucleotide variant.
Coding change: c.304+1G>T on transcript NM_014991.6 (MANE Select); the canonical splice donor site of the intron after coding-DNA position 304, G replaced by T.
Molecular consequence: splice donor variant.
Genome position (GRCh38, 1-based): chr4:84,849,901, C>A on the plus strand (G>T on the coding strand, the complement: WDFY3 is on the minus strand). VCF-style: chr4-84849901-C-A. GRCh37 (hg19) VCF-style: chr4-85771054-C-A.
Identifiers: ClinVar variation 4999322 (VCV004999322.1).

ClinVar aggregate classification (germline): Likely pathogenic (1 of 4 stars; one submission).

Conditions:
WDFY3-related disorder.

Submission:

PreventionGenetics, part of Exact Sciences
Classification: Likely pathogenic for WDFY3-related condition. Last evaluated: 2025-06-19. Review status: criteria provided, single submitter. Criteria: ACMG Guidelines, 2015. Collection method: clinical testing. Allele origin: germline.
Comment: The WDFY3 c.304+1G>T variant is predicted to disrupt the GT donor site and interfere with normal splicing. To our knowledge, this variant has not been reported in the literature or in a large population database (gnomAD), indicating this variant is rare. Variants that disrupt the consensus splice donor site in WDFY3 are expected to be pathogenic. This variant is interpreted as likely pathogenic.